The following is an entry in ClinVar:

ClinVar aggregate classification (germline): Pathogenic. Review status: reviewed by expert panel (3 of 4 stars). 27 submissions from 26 submitters: Pathogenic (1). 26 of the submissions do not count toward it. Last evaluated 2017-03-17.

Conditions:
CFTR-related disorder (CFTR-RD). Also called: CFTR-related condition; CFTR-related disorders. Identifiers: MedGen C5924204, MONDO:7770004.
Cystic fibrosis (CF). Also called: MUCOVISCIDOSIS. Identifiers: Orphanet 586, MedGen C0010674, MONDO:0009061, OMIM 219700. Disease mechanism: loss of function.
Congenital bilateral aplasia of vas deferens from CFTR mutation (CBAVD). Identifiers: Orphanet 48, MedGen C0403814, MONDO:0010178, OMIM 277180. Disease mechanism: loss of function.
Hereditary pancreatitis (PCTT). Also called: PRSS1-Related Hereditary Pancreatitis; Hereditary chronic pancreatitis. Identifiers: Orphanet 676, MedGen C0238339, MONDO:0008185, OMIM 167800.
Bronchiectasis with or without elevated sweat chloride 1 (BESC1). Also called: Cystic Fibrosis-Like Syndrome. Identifiers: Orphanet 60033, MedGen C2749757, MONDO:0008887, OMIM 211400.

Allele frequency attached by ClinVar (database versions not stated): ExAC 0.00001; gnomAD exomes 0.00002 and 0.00003; TOPMed 0.00004; gnomAD 0.00006.
gnomAD v4.1: 35 of 1,613,374 alleles (0.0022%); highest among the groups gnomAD compares: Admixed American, 0.018%; no homozygotes.

Submissions 1 to 11 of 27:

CFTR2
Classification: Pathogenic for Cystic fibrosis. Last evaluated: 2017-03-17. Review status: reviewed by expert panel. Criteria: Sosnay PR et al. (Nat Genet 2013). Collection method: research. Allele origin: germline. Affected: yes. Study: CFTR2.

Labcorp Genetics (formerly Invitae), Labcorp
Classification: Pathogenic for Cystic fibrosis. Last evaluated: 2026-01-17. Review status: criteria provided, single submitter. Criteria: Invitae Variant Classification Sherloc (09022015). Collection method: clinical testing. Allele origin: germline. Not counted in ClinVar's aggregate classification.
Comment: This sequence change replaces arginine, which is basic and polar, with cysteine, which is neutral and slightly polar, at codon 1066 of the CFTR protein (p.Arg1066Cys). This variant is present in population databases (rs78194216, gnomAD 0.006%). This missense change has been observed in individuals with cystic fibrosis or congenital absence of the vas deferens (PMID: 10923036, 11883825, 15084222, 17331079, 21520337, 23302613, 23974870). This variant is also known as 3328C>T. ClinVar contains an entry for this variant (Variation ID: 7162). Invitae Evidence Modeling of protein sequence and biophysical properties (such as structural, functional, and spatial information, amino acid conservation, physicochemical variation, residue mobility, and thermodynamic stability) indicates that this missense variant is expected to disrupt CFTR protein function with a positive predictive value of 80%. Experimental studies have shown that this missense change affects CFTR function (PMID: 8662892, 8702904, 9374552, 15480987, 23891399, 23974870). For these reasons, this variant has been classified as Pathogenic.

PreventionGenetics, part of Exact Sciences
Classification: Pathogenic for CFTR-related condition. Last evaluated: 2025-10-15. Review status: criteria provided, single submitter. Criteria: ACMG Guidelines, 2015. Collection method: clinical testing. Allele origin: germline. Not counted in ClinVar's aggregate classification.
Comment: The CFTR c.3196C>T variant is predicted to result in the amino acid substitution p.Arg1066Cys. This variant has been reported in the compound heterozygous and homozygous state in multiple individuals with cystic fibrosis (see for example, Fanen et al. 1992. PubMed ID: 1379210; Casals et al. 1997. PubMed ID: 9375855; Liu et al. 2020. PubMed ID: 32539862). In vitro functional studies have shown that this variant affects CFTR protein processing and chloride channel function (Van Goor et al. 2013. PubMed ID: 23891399). Alternate nucleotide changes affecting the same amino acid (p.Arg1066Ser, p.Arg1066Gly, p.Arg1066His, p.Arg1066Leu) have been reported in individuals affected with cystic fibrosis (Schrijver et al. 2005. PubMed ID: 16049310; Křenková et al. 2013. PubMed ID: 23276700; Ferec et al. 1992. PubMed ID: 1284639; Mercier et al. 1993. PubMed ID: 7683628). This variant is reported in 0.0058% of alleles in individuals of Latino descent in gnomAD. This variant is interpreted as pathogenic.

Natera, Inc.
Classification: Pathogenic for CFTR-related disorders. Last evaluated: 2025-09-24. Review status: criteria provided, single submitter. Criteria: Natera Variant Classification Schema (03/2026). Collection method: clinical testing. Allele origin: germline. Not counted in ClinVar's aggregate classification.
Comment: The c.3196C>T variant in CFTR is a missense variant predicted to cause substitution of arginine to cysteine at amino acid 1066. This variant is rare in the general population with a frequency below the threshold expected for the associated phenotype(s). This variant has been observed in one or more individuals affected with the associated recessive disease, as either homozygous or compound heterozygous with a second variant (PMID: 26826884, 9375855). Computational prediction algorithms indicate this variant is likely to affect gene or protein function. Given the available evidence, this variant is classified as Pathogenic.

Ambry Genetics
Classification: Pathogenic for Cystic fibrosis. Last evaluated: 2025-08-08. Review status: criteria provided, single submitter. Criteria: Ambry Variant Classification Scheme 2023. Collection method: clinical testing. Allele origin: germline. Not counted in ClinVar's aggregate classification.
Comment: The p.R1066C pathogenic mutation (also known as c.3196C>T and 3328C>T), located in coding exon 20 of the CFTR gene, results from a C to T substitution at nucleotide position 3196. The arginine at codon 1066 is replaced by cysteine, an amino acid with highly dissimilar properties. In one study, this variant was identified in 21 individuals diagnosed with cystic fibrosis. Nineteen individuals were compound heterozygous for a pathogenic variant on the other allele and two unrelated individuals were homozygous for this variant (Casals T et al. Hum. Mutat., 1997;10:387-92). This variant results in defective biosynthesis and processing of the CFTR protein (Fanen P et al. J. Biol. Chem., 1997 Nov;272:30563-6). This variant is associated with elevated sweat chloride levels and pancreatic insufficiency (Sosnay PR et al. Nat. Genet., 2013 Oct;45:1160-7). This amino acid position is highly conserved in available vertebrate species. In addition, this alteration is predicted to be deleterious by in silico analysis. Based on the supporting evidence, this alteration is interpreted as a disease-causing mutation.

Blueprint Genetics
Classification: Pathogenic for CFTR-related disorders. Last evaluated: 2024-09-20. Review status: criteria provided, single submitter. Criteria: ACMG Guidelines, 2015. Collection method: clinical testing. Allele origin: germline. Affected: yes. Observed: 4 variant alleles. Not counted in ClinVar's aggregate classification.

Fulgent Genetics
Classification: Pathogenic for Hereditary pancreatitis; Bronchiectasis with or without elevated sweat chloride 1; Cystic fibrosis; Congenital bilateral aplasia of vas deferens from CFTR mutation. Last evaluated: 2024-04-18. Review status: criteria provided, single submitter. Criteria: ACMG Guidelines, 2015. Collection method: clinical testing. Allele origin: germline. Not counted in ClinVar's aggregate classification.

Baylor Genetics
Classification: Pathogenic for Bronchiectasis with or without elevated sweat chloride 1. Last evaluated: 2024-03-08. Review status: criteria provided, single submitter. Criteria: ACMG Guidelines, 2015. Collection method: clinical testing. Allele origin: unknown. Not counted in ClinVar's aggregate classification.

Laboratorio de Genetica e Diagnostico Molecular, Hospital Israelita Albert Einstein
Classification: Pathogenic for Cystic fibrosis. Last evaluated: 2022-10-31. Review status: criteria provided, single submitter. Criteria: ACMG Guidelines, 2015. Collection method: clinical testing. Allele origin: germline. Affected: yes. Observed: 1 variant allele. Not counted in ClinVar's aggregate classification.
Comment: ACMG classification criteria: PS3 supporting, PM2 supporting, PM3 very strong, PP3 supporting

Quest Diagnostics Nichols Institute San Juan Capistrano
Classification: Pathogenic. Last evaluated: 2022-08-07. Review status: criteria provided, single submitter. Criteria: Quest Diagnostics criteria. Collection method: clinical testing. Allele origin: unknown. Not counted in ClinVar's aggregate classification.
Comment: In the published literature, the variant has been reported as compound heterozygous and homozygous in individuals with classic CF (PMIDs: 32539862 (2020), 9475107 (1998), 9375855 (1997), 1379210 (1992)). Additionally, several functional studies indicated this variant causes defective CFTR protein processing and abnormal chloride channel function (PMIDs: 23891399 (2014), 15480987 (2004), 9374552 (1997), 8702904 (1996)). Based on the available information, this variant is classified as pathogenic.

Clinical Genetics Laboratory, Skane University Hospital Lund
Classification: Pathogenic. Last evaluated: 2022-05-27. Review status: criteria provided, single submitter. Criteria: ACMG Guidelines, 2015. Collection method: clinical testing. Allele origin: germline. Affected: yes. Not counted in ClinVar's aggregate classification.

NM_000492.4(CFTR):c.3196C>T (p.Arg1066Cys)

Genes: CFTR (CF transmembrane conductance regulator; plus strand), CFTR-AS2 (CFTR antisense RNA 2; minus strand), LOC111674472 (DNase I hypersensitive sites in introns 16 and 17a of CFTR; plus strand). Cytogenetic location: 7q31.2.
Variant type: single nucleotide variant.
Coding change: c.3196C>T on transcript NM_000492.4 (MANE Select); coding-DNA position 3196, C replaced by T.
Protein change: p.Arg1066Cys; replaces arginine 1066 with cysteine.
Molecular consequence: missense variant.
Genome position (GRCh38, 1-based): chr7:117,611,637, C>T. VCF-style: chr7-117611637-C-T. GRCh37 (hg19) VCF-style: chr7-117251691-C-T.
Other names: short protein forms R1066C.
Identifiers: ClinVar variation 7162 (VCV000007162.55), dbSNP rs78194216, ClinGen allele CA325558.